The following is an entry in ClinVar:

NM_001267550.2(TTN):c.107101G>A (p.Ala35701Thr)

Genes: TTN (titin; minus strand), TTN-AS1 (TTN antisense RNA 1; plus strand). Cytogenetic location: 2q31.2.
Variant type: single nucleotide variant.
Coding change: c.107101G>A on transcript NM_001267550.2 (MANE Select); coding-DNA position 107101, G replaced by A.
Protein change: p.Ala35701Thr; replaces alanine 35701 with threonine.
Molecular consequence: missense variant.
Genome position (GRCh38, 1-based): chr2:178,528,650, C>T on the plus strand (G>A on the coding strand, the complement: TTN is on the minus strand). VCF-style: chr2-178528650-C-T. GRCh37 (hg19) VCF-style: chr2-179393377-C-T.
Other names: c.102178G>A, p.Ala34060Thr (NM_001256850.1); c.79906G>A, p.Ala26636Thr (NM_003319.4); c.99397G>A, p.Ala33133Thr (NM_133378.4); c.80281G>A, p.Ala26761Thr (NM_133432.3); c.80482G>A, p.Ala26828Thr (NM_133437.4); short protein forms A26636T, A33133T, A35701T, A26828T, A34060T, A26761T.
Identifiers: ClinVar variation 2036876 (VCV002036876.4), dbSNP rs2468295821, ClinGen allele CA349401932.
Genomic context (GRCh38, chr2:178,528,650, plus strand): 5'-AGAGAACATTTTGTCCTTCATTAATATTTTGAGATCTAGGCTGTGAGATGAAGGCTGGAG[C>T]ATCTGAGAGTTCTTTGCTCAGTGTCAAATCATACTGACACTTGACGATTCCTTCCTTGGT-3'
Protein context (NP_001254479.2, residues 35691-35711): DLTLSKELSD[Ala35701Thr]PAFISQPRSQ

ClinVar aggregate classification (germline): Uncertain significance (1 of 4 stars; one submission).

Conditions:
Dilated cardiomyopathy 1G (CMD1G). Identifiers: Orphanet 154, MedGen C1858763, MONDO:0011400, OMIM 604145.
Autosomal recessive limb-girdle muscular dystrophy type 2J (LGMDR10). Also called: MUSCULAR DYSTROPHY, LIMB-GIRDLE, AUTOSOMAL RECESSIVE 10; Limb-girdle muscular dystrophy, type 2J. Identifiers: Orphanet 140922, MedGen C1837342, MONDO:0012127, OMIM 608807.

Submission:

Labcorp Genetics (formerly Invitae), Labcorp
Classification: Uncertain significance for Dilated cardiomyopathy 1G; Autosomal recessive limb-girdle muscular dystrophy type 2J. Last evaluated: 2022-10-26. Review status: criteria provided, single submitter. Criteria: Invitae Variant Classification Sherloc (09022015). Collection method: clinical testing. Allele origin: germline.
Comment: This variant is located in the M band of TTN (PMID: 25589632). Variants in this region may be relevant for neuromuscular disorders, but have not been definitively shown to cause cardiomyopathy (PMID: 23975875). In summary, the available evidence is currently insufficient to determine the role of this variant in disease. Therefore, it has been classified as a Variant of Uncertain Significance. Experimental studies and prediction algorithms are not available or were not evaluated, and the functional significance of this variant is currently unknown. This variant has not been reported in the literature in individuals affected with TTN-related conditions. This variant is not present in population databases (gnomAD no frequency). This sequence change replaces alanine, which is neutral and non-polar, with threonine, which is neutral and polar, at codon 35701 of the TTN protein (p.Ala35701Thr).

Literature cited by the submitters: PubMed 25589632; PubMed 23975875.